The following is an entry in ClinVar:

NM_201548.5(CERKL):c.420del (p.Ile141fs)

Gene: CERKL (CERK like autophagy regulator; minus strand). Cytogenetic location: 2q31.3.
Variant type: Deletion.
Coding change: c.420del on transcript NM_201548.5 (MANE Select); coding-DNA position 420, one base deleted (T; older notation c.420delT).
Protein change: p.Ile141fs; shifts the reading frame from isoleucine 141.
Molecular consequence: frameshift variant. On other transcripts: non-coding transcript variant (2).
Genome position (GRCh38, 1-based): chr2:181,603,898, A deleted on the plus strand (T on the coding strand, the reverse complement: CERKL is on the minus strand); the first of 2 consecutive A bases (chr2:181,603,898-181,603,899); deleting either gives the same sequence. VCF-style (leftmost placement, unchanged base first): chr2-181603897-TA-T. GRCh37 (hg19) VCF-style: chr2-182468624-TA-T.
Other names: NM_201548.5(CERKL):c.420del; p.Ile141fs; c.420del, p.Ile141fs (NM_001030311.3, NM_001030312.3, NM_001030313.3 and 1 more transcripts); short protein forms I141fs.
Identifiers: ClinVar variation 91392 (VCV000091392.4), dbSNP rs398122962, ClinGen allele CA266216.

ClinVar aggregate classification (germline): Likely pathogenic. Review status: criteria provided, single submitter (1 of 4 stars). 3 submissions from 2 submitters: Likely pathogenic (2). 1 of the submissions does not count toward it. Last evaluated 2022-05-04.

Conditions:
Retinitis pigmentosa (RP). Identifiers: Orphanet 791, MedGen C0035334, MeSH D012174, MONDO:0019200, OMIM 268000. Inheritance: Autosomal dominant, autosomal recessive and X linked inheritance.
Retinitis pigmentosa 26 (RP26). Identifiers: Orphanet 791, MedGen C1842127, MONDO:0012024, OMIM 608380.

Submissions (3):

Broad Center for Mendelian Genomics, Broad Institute of MIT and Harvard
Classification: Likely pathogenic for Retinitis pigmentosa 26. Last evaluated: 2022-05-04. Review status: criteria provided, single submitter. Criteria: ACMG Guidelines, 2015. Collection method: curation. Allele origin: germline. Inheritance: Autosomal recessive inheritance.
Comment: This variant has also been reported in ClinVar (Variation ID: 91392) as pathogenic by OMIM. This variant is predicted to cause a frameshift, which alters the protein’s amino acid sequence beginning at position 141 and leads to a premature termination codon 3 amino acids downstream. This alteration is then predicted to lead to a truncated or absent protein. Loss of function of the CERKL gene is a moderately established disease mechanism in autosomal recessive retinitis pigmentosa 26. The presence of this variant in combination with a reported pathogenic variant and in 1 individual with retinitis pigmentosa 26 increases the likelihood that the p.Ile141LeufsTer3 variant is pathogenic (Variation ID: 2364; PMID: 24043777). In summary, although additional studies are required to fully establish its clinical significance, this variant is likely pathogenic. ACMG/AMP Criteria applied: PVS1_strong, PM2, PM3 (Richards 2015).

Broad Center for Mendelian Genomics, Broad Institute of MIT and Harvard
Classification: Likely pathogenic for Retinitis pigmentosa. Last evaluated: 2021-04-01. Review status: criteria provided, single submitter. Criteria: ACMG Guidelines, 2015. Collection method: curation. Allele origin: germline. Inheritance: Autosomal recessive inheritance. Affected: yes.
Comment: Based on this evidence we have classified this variant as Likely Pathogenic. If you have any questions about the classification please reach out to the Pierce Lab.

OMIM
Classification: Pathogenic for RETINITIS PIGMENTOSA 26. Last evaluated: 2013-10-01. Review status: no assertion criteria provided. Collection method: literature only. Allele origin: germline. Not counted in ClinVar's aggregate classification.

Literature cited by the submitters: PubMed 34906470 (cited by Broad Center for Mendelian Genomics, Broad Institute of MIT and Harvard); PubMed 24043777 (cited by OMIM).